The following is an entry in ClinVar:

NM_173354.5(SIK1):c.368A>T (p.Glu123Val)

Gene: SIK1 (salt inducible kinase 1; minus strand). Cytogenetic location: 21q22.3.
Variant type: single nucleotide variant.
Coding change: c.368A>T on transcript NM_173354.5 (MANE Select); coding-DNA position 368, A replaced by T.
Protein change: p.Glu123Val; replaces glutamic acid 123 with valine.
Molecular consequence: missense variant.
Genome position (GRCh38, 1-based): chr21:43,421,769, T>A on the plus strand (A>T on the coding strand, the complement: SIK1 is on the minus strand). VCF-style: chr21-43421769-T-A. GRCh37 (hg19) VCF-style: chr21-44841649-T-A.
Other names: short protein forms E123V.
Identifiers: ClinVar variation 1038967 (VCV001038967.9), dbSNP rs2081057190, ClinGen allele CA410610364.
Genomic context (GRCh38, chr21:43,421,769, plus strand): 5'-TGGTCGTGACAGTACTCCACGGCCGACAGGATTTGCCAGAACTTCTTCCGCGCCTCGTTC[T>A]CACTCAGGTGCCCGTTGGAAGTCAAATAATCTGAGGAGCCACAAAACAAAGCTACAGCCC-3'
Protein context (NP_775490.2, residues 113-133): DYLTSNGHLS[Glu123Val]NEARKKFWQI

ClinVar aggregate classification (germline): Uncertain significance (1 of 4 stars; one submission).

Conditions:
Developmental and epileptic encephalopathy, 30 (DEE30). Also called: Epileptic encephalopathy, early infantile, 30. Identifiers: MedGen C4225360, MONDO:0014595, OMIM 616341.

Submission:

Labcorp Genetics (formerly Invitae), Labcorp
Classification: Uncertain significance for Developmental and epileptic encephalopathy, 30. Last evaluated: 2020-03-06. Review status: criteria provided, single submitter. Criteria: Invitae Variant Classification Sherloc (09022015). Collection method: clinical testing. Allele origin: germline.
Comment: In summary, the available evidence is currently insufficient to determine the role of this variant in disease. Therefore, it has been classified as a Variant of Uncertain Significance. Algorithms developed to predict the effect of missense changes on protein structure and function are either unavailable or do not agree on the potential impact of this missense change (SIFT: "Tolerated"; PolyPhen-2: "Probably Damaging"; Align-GVGD: "Class C0"). This variant has not been reported in the literature in individuals with SIK1-related conditions. This variant is not present in population databases (ExAC no frequency). This sequence change replaces glutamic acid with valine at codon 123 of the SIK1 protein (p.Glu123Val). The glutamic acid residue is highly conserved and there is a moderate physicochemical difference between glutamic acid and valine.